The following is an entry in ClinVar:

ClinVar aggregate classification (germline): Conflicting classifications of pathogenicity. Review status: criteria provided, conflicting classifications (1 of 4 stars). 2 submissions from 2 submitters: Pathogenic (1); Uncertain significance (1). Last evaluated 2024-05-10.

Submissions (2):

Labcorp Genetics (formerly Invitae), Labcorp
Classification: Pathogenic. Last evaluated: 2024-05-10. Review status: criteria provided, single submitter. Criteria: Invitae Variant Classification Sherloc (09022015). Collection method: clinical testing. Allele origin: germline.
Comment: This variant, c.3241_3253delinsTTTGTGGGAGATG, is a complex sequence change that results in the deletion of five and insertion of five amino acid(s) in the ABCA4 protein (p.Lys1081_Leu1085delinsPheValGlyAspVal). Information on the frequency of this variant in the gnomAD database is not available, as this variant may be reported differently in the database. This variant has not been reported in the literature in individuals affected with ABCA4-related conditions. ClinVar contains an entry for this variant (Variation ID: 1006993). This variant disrupts a region of the ABCA4 protein in which other variant(s) (p.Ile1084Thr) have been determined to be pathogenic (PMID: 32619608). This suggests that this is a clinically significant region of the protein, and that variants that disrupt it are likely to be disease-causing. For these reasons, this variant has been classified as Pathogenic.

Blueprint Genetics
Classification: Uncertain significance. Last evaluated: 2023-04-28. Review status: criteria provided, single submitter. Criteria: ACMG Guidelines, 2015. Collection method: clinical testing. Allele origin: germline.

Literature cited by the submitters: PubMed 32619608 (cited by Labcorp Genetics (formerly Invitae), Labcorp).

NM_000350.3(ABCA4):c.3241_3253delinsTTTGTGGGAGATG (p.Lys1081_Leu1085delinsPheValGlyAspVal)

Gene: ABCA4 (ATP binding cassette subfamily A member 4; minus strand). Cytogenetic location: 1p22.1.
Variant type: Indel.
Coding change: c.3241_3253delinsTTTGTGGGAGATG on transcript NM_000350.3 (MANE Select); coding-DNA positions 3241 to 3253, AAGGTGGTGATTC replaced by TTTGTGGGAGATG.
Protein change: p.Lys1081_Leu1085delinsPheValGlyAspVal.
Molecular consequence: missense variant.
Genome position (GRCh38, 1-based): chr1:94,042,836-94,042,848, GAATCACCACCTT replaced by CATCTCCCACAAA on the plus strand (AAGGTGGTGATTC replaced by TTTGTGGGAGATG on the coding strand, the reverse complement: ABCA4 is on the minus strand). VCF-style: chr1-94042836-GAATCACCACCTT-CATCTCCCACAAA. GRCh37 (hg19) VCF-style: chr1-94508392-GAATCACCACCTT-CATCTCCCACAAA.
Other names: c.3019_3031delAAGGTGGTGATTCinsTTTGTGGGAGATG, p.Lys1007_Leu1011delinsPheValGlyAspVal (NM_001425324.1).
Identifiers: ClinVar variation 1006993 (VCV001006993.9), dbSNP rs1660531880, ClinGen allele CA1181420670.